The following is an entry in ClinVar:

NM_015559.3(SETBP1):c.85G>A (p.Ala29Thr)

Gene: SETBP1 (SET binding protein 1; plus strand). Cytogenetic location: 18q12.3.
Variant type: single nucleotide variant.
Coding change: c.85G>A on transcript NM_015559.3 (MANE Select); coding-DNA position 85, G replaced by A.
Protein change: p.Ala29Thr; replaces alanine 29 with threonine.
Molecular consequence: missense variant.
Genome position (GRCh38, 1-based): chr18:44,701,431, G>A. VCF-style: chr18-44701431-G-A. GRCh37 (hg19) VCF-style: chr18-42281396-G-A.
Other names: c.85G>A, p.Ala29Thr (LRG_1150t1, NM_001130110.2); short protein forms A29T.
Identifiers: ClinVar variation 1598698 (VCV001598698.12), dbSNP rs772172102, ClinGen allele CA8945325.

ClinVar aggregate classification (germline): Benign/Likely benign. Review status: criteria provided, multiple submitters, no conflicts (2 of 4 stars). 3 submissions from 3 submitters: Benign (1); Likely benign (1). 1 of the submissions does not count toward it. Last evaluated 2026-01-09.

Conditions:
SETBP1-related disorder. Also called: SETBP1-related condition; SETBP1-related disorders.

Allele frequency attached by ClinVar (database versions not stated): TOPMed 0.00016; gnomAD 0.00017 and 0.00019; gnomAD exomes 0.00018 and 0.00020; ExAC 0.00047.
gnomAD v4.1: 293 of 1,604,198 alleles (0.018%); highest among the groups gnomAD compares: Admixed American, 0.046%; no homozygotes.

Submissions (3):

Labcorp Genetics (formerly Invitae), Labcorp
Classification: Benign. Last evaluated: 2026-01-09. Review status: criteria provided, single submitter. Criteria: Invitae Variant Classification Sherloc (09022015). Collection method: clinical testing. Allele origin: germline.

ARUP Laboratories, Molecular Genetics and Genomics, ARUP Laboratories
Classification: Likely benign. Last evaluated: 2024-04-08. Review status: criteria provided, single submitter. Criteria: ARUP Molecular Germline Variant Investigation Process 2024. Collection method: clinical testing. Allele origin: germline.

PreventionGenetics, part of Exact Sciences
Classification: Likely benign for SETBP1-related condition. Last evaluated: 2022-06-29. Review status: no assertion criteria provided. Collection method: clinical testing. Allele origin: germline. Not counted in ClinVar's aggregate classification.
Comment: This variant is classified as likely benign based on ACMG/AMP sequence variant interpretation guidelines (Richards et al. 2015 PMID: 25741868, with internal and published modifications).